The following is an entry in ClinVar:

ClinVar aggregate classification (germline): Uncertain significance. Review status: criteria provided, multiple submitters, no conflicts (2 of 4 stars). 2 submissions from 2 submitters: Uncertain significance (2). Last evaluated 2023-11-10.

Conditions:
Ullrich congenital muscular dystrophy 2 (UCMD2). Identifiers: Orphanet 75840, MedGen C4225314, MONDO:0014654, OMIM 616470.
Bethlem myopathy 2 (BTHLM2). Identifiers: Orphanet 536516, Orphanet 610, MedGen C4225313, MONDO:0034022, OMIM 616471.

Allele frequency attached by ClinVar (database versions not stated): gnomAD exomes below 0.00001.
gnomAD v4.1: 7 of 1,614,030 alleles (0.00043%); highest among the groups gnomAD compares: Non-Finnish European, 0.00051%; no homozygotes.

Submissions (2):

Labcorp Genetics (formerly Invitae), Labcorp
Classification: Uncertain significance for Bethlem myopathy 2; Ullrich congenital muscular dystrophy 2. Last evaluated: 2023-11-10. Review status: criteria provided, single submitter. Criteria: Invitae Variant Classification Sherloc (09022015). Collection method: clinical testing. Allele origin: germline.
Comment: This sequence change replaces isoleucine, which is neutral and non-polar, with valine, which is neutral and non-polar, at codon 711 of the COL12A1 protein (p.Ile711Val). This variant is present in population databases (rs773755693, gnomAD 0.0009%). This variant has not been reported in the literature in individuals affected with COL12A1-related conditions. ClinVar contains an entry for this variant (Variation ID: 659291). Advanced modeling of protein sequence and biophysical properties (such as structural, functional, and spatial information, amino acid conservation, physicochemical variation, residue mobility, and thermodynamic stability) performed at Invitae indicates that this missense variant is not expected to disrupt COL12A1 protein function with a negative predictive value of 80%. In summary, the available evidence is currently insufficient to determine the role of this variant in disease. Therefore, it has been classified as a Variant of Uncertain Significance.

GeneDx
Classification: Uncertain significance. Last evaluated: 2022-04-25. Review status: criteria provided, single submitter. Criteria: GeneDx Variant Classification Process June 2021. Collection method: clinical testing. Allele origin: germline. Affected: yes.
Comment: Has not been previously published as pathogenic or benign to our knowledge; Not observed at significant frequency in large population cohorts (gnomAD); In silico analysis supports that this missense variant does not alter protein structure/function

NM_004370.6(COL12A1):c.2131A>G (p.Ile711Val)

Gene: COL12A1 (collagen type XII alpha 1 chain; minus strand). Cytogenetic location: 6q13.
Variant type: single nucleotide variant.
Coding change: c.2131A>G on transcript NM_004370.6 (MANE Select); coding-DNA position 2131, A replaced by G.
Protein change: p.Ile711Val; replaces isoleucine 711 with valine.
Molecular consequence: missense variant. On other transcripts: intron variant (1).
Genome position (GRCh38, 1-based): chr6:75,180,972, T>C on the plus strand (A>G on the coding strand, the complement: COL12A1 is on the minus strand). VCF-style: chr6-75180972-T-C. GRCh37 (hg19) VCF-style: chr6-75890688-T-C.
Other names: c.73+21748A>G (NM_080645.3); short protein forms I711V.
Identifiers: ClinVar variation 659291 (VCV000659291.10), dbSNP rs773755693, ClinGen allele CA3894061.